The following is an entry in ClinVar:

ClinVar aggregate classification (germline): Uncertain significance (1 of 4 stars; one submission).

gnomAD v4.1: 4 of 1,613,998 alleles (0.00025%); highest among the groups gnomAD compares: South Asian, 0.0011%; no homozygotes.

Submission:

Ambry Genetics
Classification: Uncertain significance. Last evaluated: 2024-01-30. Review status: criteria provided, single submitter. Criteria: Ambry Variant Classification Scheme 2023. Collection method: clinical testing. Allele origin: germline.
Comment: The p.E297K variant (also known as c.889G>A), located in coding exon 8 of the RAD54L gene, results from a G to A substitution at nucleotide position 889. The glutamic acid at codon 297 is replaced by lysine, an amino acid with similar properties. This amino acid position is conserved. In addition, this alteration is predicted to be deleterious by in silico analysis. Since supporting evidence is limited at this time, the clinical significance of this alteration remains unclear.

NM_003579.4(RAD54L):c.889G>A (p.Glu297Lys)

Gene: RAD54L (RAD54 like; plus strand). Cytogenetic location: 1p34.1.
Variant type: single nucleotide variant.
Coding change: c.889G>A on transcript NM_003579.4 (MANE Select); coding-DNA position 889, G replaced by A.
Protein change: p.Glu297Lys; replaces glutamic acid 297 with lysine.
Molecular consequence: missense variant.
Genome position (GRCh38, 1-based): chr1:46,261,383, G>A. VCF-style: chr1-46261383-G-A. GRCh37 (hg19) VCF-style: chr1-46727055-G-A.
Other names: c.889G>A, p.Glu297Lys (NM_001142548.2); c.349G>A, p.Glu117Lys (NM_001370766.1); short protein forms E297K, E117K.
Identifiers: ClinVar variation 1765020 (VCV001765020.2), dbSNP rs1251722197, ClinGen allele CA340189665.